The following is an entry in ClinVar:

NM_004525.3(LRP2):c.3058G>T (p.Glu1020Ter)

Gene: LRP2 (LDL receptor related protein 2; minus strand). Cytogenetic location: 2q31.1.
Variant type: single nucleotide variant.
Coding change: c.3058G>T on transcript NM_004525.3 (MANE Select); coding-DNA position 3058, G replaced by T.
Protein change: p.Glu1020Ter; replaces glutamic acid 1020 with a stop codon.
Molecular consequence: nonsense.
Genome position (GRCh38, 1-based): chr2:169,246,837, C>A on the plus strand (G>T on the coding strand, the complement: LRP2 is on the minus strand). VCF-style: chr2-169246837-C-A. GRCh37 (hg19) VCF-style: chr2-170103347-C-A.
Other names: short protein forms E1020*.
Identifiers: ClinVar variation 5016292 (VCV005016292.1).

ClinVar aggregate classification (germline): Pathogenic (1 of 4 stars; one submission).

Conditions:
Donnai-Barrow syndrome. Also called: DBS/FOAR SYNDROME; FACIOOCULOACOUSTICORENAL SYNDROME. Identifiers: Orphanet 2143, MedGen C1857277, MONDO:0009104, OMIM 222448.

Submission:

Myriad Genetics, Inc.
Classification: Pathogenic for Donnai-Barrow syndrome. Last evaluated: 2026-08-29. Review status: criteria provided, single submitter. Criteria: Myriad Autosomal Dominant, Autosomal Recessive and X-Linked Classification Criteria (2023). Collection method: clinical testing. Allele origin: unknown.
Comment: NM_004525.2(LRP2):c.3058G>T(E1020*) is expected to be pathogenic in the context of Donnai-Barrow syndrome. This variant is predicted to lead to an abnormal or absent protein product due to the creation of a premature termination codon in LRP2, a gene where loss-of-function variants are known to be pathogenic. Please note: this variant was assessed in the context of healthy population screening.